The following is an entry in ClinVar:

ClinVar aggregate classification (germline): Likely pathogenic. Review status: criteria provided, single submitter (1 of 4 stars). 3 submissions from 3 submitters: Likely pathogenic (1). 2 of the submissions do not count toward it. Last evaluated 2024-08-30.

Conditions:
Leukoencephalopathy with vanishing white matter 5 (VWM5). Also called: Leukoencephalopathy with vanishing white matter 5, with or without ovarian failure; EIF2B5-Related Childhood Ataxia with Central Nervous System Hypomyelination/Vanishing White Matter. Identifiers: MedGen C5779973, MONDO:0957873, OMIM 620315.
Vanishing white matter disease. Also called: Childhood ataxia with diffuse central nervous system hypomyelination; Leukoencephalopathy with vanishing white matter; CACH/VWM syndrome; Cree leukoencehalopathy; CACH syndrome. Identifiers: Orphanet 135, Orphanet 99853, MedGen C1858991, MONDO:0800448.

Allele frequency attached by ClinVar (database versions not stated): gnomAD exomes 0.00001; ExAC 0.00002; gnomAD 0.00001; TOPMed below 0.00001.
gnomAD v4.1: 6 of 1,614,012 alleles (0.00037%); highest among the groups gnomAD compares: Non-Finnish European, 0.00051%; no homozygotes.

Submissions (3):

Women's Health and Genetics/Laboratory Corporation of America, LabCorp
Classification: Likely pathogenic for Vanishing white matter disease. Last evaluated: 2024-08-30. Review status: criteria provided, single submitter. Criteria: LabCorp Variant Classification Summary - May 2015. Collection method: clinical testing. Allele origin: germline.
Comment: Variant summary: EIF2B5 c.925G>C (p.Val309Leu) results in a conservative amino acid change in the encoded protein sequence. Three of five in-silico tools predict a damaging effect of the variant on protein function. The variant allele was found at a frequency of 1.2e-05 in 251458 control chromosomes. c.925G>C has been reported in the literature in individuals affected with Leukoencephalopathy With Vanishing White Matter (example: Huyghe_2012,Fogli_2002). These data indicate that the variant is likely to be associated with disease. To our knowledge, no experimental evidence demonstrating an impact on protein function has been reported. The following publications have been ascertained in the context of this evaluation (PMID: 22737209, 12499492). ClinVar contains an entry for this variant (Variation ID: 5947). Based on the evidence outlined above, the variant was classified as likely pathogenic.

OMIM
Classification: Pathogenic for LEUKOENCEPHALOPATHY WITH VANISHING WHITE MATTER 5. Last evaluated: 2002-12-24. Review status: no assertion criteria provided. Collection method: literature only. Allele origin: germline. Not counted in ClinVar's aggregate classification.

GeneReviews
No classification provided. Condition: Vanishing white matter disease. Review status: no classification provided. Collection method: literature only. Allele origin: germline. Not counted in ClinVar's aggregate classification.
Comment: Variant associated w/severe disease

Literature cited by the submitters: PubMed 22737209 (cited by Women's Health and Genetics/Laboratory Corporation of America, LabCorp); PubMed 12499492 (cited by Women's Health and Genetics/Laboratory Corporation of America, LabCorp and OMIM); PubMed 15136673 (cited by GeneReviews); PubMed 20301435 (cited by GeneReviews).

NM_003907.3(EIF2B5):c.925G>C (p.Val309Leu)

Gene: EIF2B5 (eukaryotic translation initiation factor 2B subunit epsilon; plus strand). Cytogenetic location: 3q27.1.
Variant type: single nucleotide variant.
Coding change: c.925G>C on transcript NM_003907.3 (MANE Select); coding-DNA position 925, G replaced by C.
Protein change: p.Val309Leu; replaces valine 309 with leucine.
Molecular consequence: missense variant.
Genome position (GRCh38, 1-based): chr3:184,140,499, G>C. VCF-style: chr3-184140499-G-C. GRCh37 (hg19) VCF-style: chr3-183858287-G-C.
Other names: L309V; short protein forms V309L.
Identifiers: ClinVar variation 5947 (VCV000005947.5), dbSNP rs113994061, ClinGen allele CA340477.
Genomic context (GRCh38, chr3:184,140,499, plus strand): 5'-ATGCACGTAACAGCTAAGGAATATGGTGCCCGTGTCTCCAACCTACACATGTACTCAGCT[G>C]TCTGTGCTGACGTCATCCGCCGATGGGTCTACCCTCTCACCCCAGAGGCGAACTTCACTG-3'
Protein context (NP_003898.2, residues 299-319): RVSNLHMYSA[Val309Leu]CADVIRRWVY